The following is an entry in ClinVar:

ClinVar aggregate classification (germline): Benign/Likely benign. Review status: criteria provided, multiple submitters, no conflicts (2 of 4 stars). 5 submissions from 5 submitters: Benign (4); Likely benign (1). Last evaluated 2026-02-04.

Conditions:
Diaphanospondylodysostosis. Also called: VERTEBRAL OSSIFICATION, DEFECT IN, WITH NEPHROGENIC RESTS. Identifiers: Orphanet 66637, MedGen C1842691, MONDO:0011946, OMIM 608022.

Allele frequency attached by ClinVar (database versions not stated): gnomAD 0.42558 and 0.42924; 1000 Genomes Project 30x 0.42708; 1000 Genomes Project 0.42812; TOPMed 0.42902; ESP Exome Variant Server 0.43864; gnomAD exomes 0.44575 and 0.46505; ExAC 0.44910.
gnomAD v4.1: 743,187 of 1,610,652 alleles (46%); highest among the groups gnomAD compares: South Asian, 52%; 173,000 homozygotes.

Submissions (5):

Labcorp Genetics (formerly Invitae), Labcorp
Classification: Benign. Last evaluated: 2026-02-04. Review status: criteria provided, single submitter. Criteria: Invitae Variant Classification Sherloc (09022015). Collection method: clinical testing. Allele origin: germline.

Blueprint Genetics
Classification: Likely benign. Last evaluated: 2024-11-27. Review status: criteria provided, single submitter. Criteria: ACMG Guidelines, 2015. Collection method: clinical testing. Allele origin: germline.

Genome-Nilou Lab
Classification: Benign for Diaphanospondylodysostosis. Last evaluated: 2021-07-14. Review status: criteria provided, single submitter. Criteria: ACMG Guidelines, 2015. Collection method: clinical testing. Allele origin: germline. Affected: no.

GeneDx
Classification: Benign. Last evaluated: 2018-11-10. Review status: criteria provided, single submitter. Criteria: GeneDx Variant Classification Process June 2021. Collection method: clinical testing. Allele origin: germline. Affected: yes.

Illumina Laboratory Services, Illumina
Classification: Benign for Diaphanospondylodysostosis. Last evaluated: 2018-01-13. Review status: criteria provided, single submitter. Criteria: ICSL Variant Classification Criteria 13 December 2019. Collection method: clinical testing. Allele origin: germline.
Comment: This variant was observed in the ICSL laboratory as part of a predisposition screen in an ostensibly healthy population. It had not been previously curated by ICSL or reported in the Human Gene Mutation Database (HGMD: prior to June 1st, 2018), and was therefore a candidate for classification through an automated scoring system. Utilizing variant allele frequency, disease prevalence and penetrance estimates, and inheritance mode, an automated score was calculated to assess if this variant is too frequent to cause the disease. Based on the score and internal cut-off values, a variant classified as benign is not then subjected to further curation. The score for this variant resulted in a classification of benign for this disease.

NM_001365308.1(BMPER):c.408C>T (p.Gly136=)

Gene: BMPER (BMP binding endothelial regulator; plus strand). Cytogenetic location: 7p14.3.
Variant type: single nucleotide variant.
Coding change: c.408C>T on transcript NM_001365308.1 (MANE Select); coding-DNA position 408, C replaced by T.
Protein change: p.Gly136=; no amino-acid change (glycine 136 retained).
Molecular consequence: synonymous variant.
Genome position (GRCh38, 1-based): chr7:33,970,334, C>T. VCF-style: chr7-33970334-C-T. GRCh37 (hg19) VCF-style: chr7-34009946-C-T.
Other names: c.408C>T, p.Gly136= (NM_133468.5).
Identifiers: ClinVar variation 360101 (VCV000360101.17), dbSNP rs10265207, ClinGen allele CA4215060.
Genomic context (GRCh38, chr7:33,970,334, plus strand): 5'-TAGTAACTCCGTGGGAATTCTGGGCTGACTTTGCTTGTTTTGTTCTGTGTTTCAGGAGGG[C>T]GTTGTCACAGAGTCTGGGGTGCGCTGTGTTGTTCATTGTAAAAACCCTTTGGAGCATCTG-3'
Protein context (NP_001352237.1, residues 126-146): EPCVLRQCQE[Gly136=]VVTESGVRCV